The following is an entry in ClinVar:

ClinVar aggregate classification (germline): Uncertain significance (1 of 4 stars; one submission).

gnomAD v4.1: 8 of 1,613,688 alleles (0.0005%); highest among the groups gnomAD compares: African/African-American, 0.004%; no homozygotes.

Submission:

Labcorp Genetics (formerly Invitae), Labcorp
Classification: Uncertain significance. Last evaluated: 2025-08-26. Review status: criteria provided, single submitter. Criteria: Invitae Variant Classification Sherloc (09022015). Collection method: clinical testing. Allele origin: germline.
Comment: This sequence change replaces serine, which is neutral and polar, with leucine, which is neutral and non-polar, at codon 1245 of the DIP2C protein (p.Ser1245Leu). This variant is present in population databases (no rsID available, gnomAD 0.005%). This variant has not been reported in the literature in individuals affected with DIP2C-related conditions. An algorithm developed to predict the effect of missense changes on protein structure and function (PolyPhen-2) suggests that this variant is likely to be tolerated. In summary, the available evidence is currently insufficient to determine the role of this variant in disease. Therefore, it has been classified as a Variant of Uncertain Significance.

NM_014974.3(DIP2C):c.3734C>T (p.Ser1245Leu)

Gene: DIP2C (DIP2 acetate--CoA ligase C (putative); minus strand). Cytogenetic location: 10p15.3.
Variant type: single nucleotide variant.
Coding change: c.3734C>T on transcript NM_014974.3 (MANE Select); coding-DNA position 3734, C replaced by T.
Protein change: p.Ser1245Leu; replaces serine 1245 with leucine.
Molecular consequence: missense variant.
Genome position (GRCh38, 1-based): chr10:329,452, G>A on the plus strand (C>T on the coding strand, the complement: DIP2C is on the minus strand). VCF-style: chr10-329452-G-A. GRCh37 (hg19) VCF-style: chr10-375392-G-A.
Other names: short protein forms S1245L.
Identifiers: ClinVar variation 4781493 (VCV004781493.1).
Genomic context (GRCh38, chr10:329,452, plus strand): 5'-GTGGGCTCACAGGGCACTGAGCTGCCAAGGGAGCTGCTTACCTTGAGGGACTCTGTTTGC[G>A]AGCCCAGCCCCTTGGTGCACAGCTCCATCACGGAGTAGGAGCAAAACGTGTCTCGGACTT-3'
Protein context (NP_055789.1, residues 1235-1255): VMELCTKGLG[Ser1245Leu]QTESLKARGL